The following is an entry in ClinVar:

ClinVar aggregate classification (germline): Uncertain significance (1 of 4 stars; one submission).

Conditions:
Spastic paraplegia. Identifiers: MedGen C0037772, HP:0001258.

Allele frequency attached by ClinVar (database versions not stated): gnomAD exomes below 0.00001.
gnomAD v4.1: 1 of 1,611,136 alleles (0.000062%); highest among the groups gnomAD compares: Non-Finnish European, 0.000085%; no homozygotes.

Submission:

Labcorp Genetics (formerly Invitae), Labcorp
Classification: Uncertain significance for Spastic paraplegia. Last evaluated: 2025-06-12. Review status: criteria provided, single submitter. Criteria: Invitae Variant Classification Sherloc (09022015). Collection method: clinical testing. Allele origin: germline.
Comment: This sequence change replaces tyrosine, which is neutral and polar, with histidine, which is basic and polar, at codon 347 of the ZFYVE27 protein (p.Tyr347His). This variant is not present in population databases (gnomAD no frequency). This variant has not been reported in the literature in individuals affected with ZFYVE27-related conditions. ClinVar contains an entry for this variant (Variation ID: 2722081). An algorithm developed to predict the effect of missense changes on protein structure and function (PolyPhen-2) suggests that this variant is likely to be disruptive. In summary, the available evidence is currently insufficient to determine the role of this variant in disease. Therefore, it has been classified as a Variant of Uncertain Significance.

NM_001385875.1(ZFYVE27):c.1024T>C (p.Tyr342His)

Gene: ZFYVE27 (zinc finger FYVE-type containing 27; plus strand). Cytogenetic location: 10q24.2.
Variant type: single nucleotide variant.
Coding change: c.1024T>C on transcript NM_001385875.1 (MANE Select); coding-DNA position 1024, T replaced by C.
Protein change: p.Tyr342His; replaces tyrosine 342 with histidine.
Molecular consequence: missense variant. On other transcripts: non-coding transcript variant (17).
Genome position (GRCh38, 1-based): chr10:97,753,164, T>C. VCF-style: chr10-97753164-T-C. GRCh37 (hg19) VCF-style: chr10-99512921-T-C.
Other names: c.1039T>C, p.Tyr347His (NM_001002261.4, NM_001385871.1); c.1018T>C, p.Tyr340His (NM_001385878.1, NM_001385879.1, NM_001385882.1); c.1003T>C, p.Tyr335His (NM_001385880.1, NM_001385881.1, NM_001385883.1 and 2 more transcripts); c.943T>C, p.Tyr315His (NM_001385885.1); c.922T>C, p.Tyr308His (NM_001385886.1, NM_001385887.1, NM_001385888.1); c.799T>C, p.Tyr267His (NM_001385897.1, NM_001385898.1, NM_001385896.1); c.787T>C, p.Tyr263His (NM_001385899.1, NM_001385900.1); c.781T>C, p.Tyr261His (NM_001385901.1, NM_001385902.1, NM_001385903.1 and 1 more transcripts); and 14 more; short protein forms Y254H, Y256H, Y267H, Y272H, Y279H, Y303H, Y308H, Y315H.
Identifiers: ClinVar variation 2722081 (VCV002722081.3), dbSNP rs2540775850, ClinGen allele CA377998202.
Genomic context (GRCh38, chr10:97,753,164, plus strand): 5'-AGCAAGAATGAGGTGCTGCGCAGCAAGGTGTCTCGGCTCACGGAGCGGCTCCGCAAGCGC[T>C]ACCCCACCAACAACTTCGGTGCGGCCAGGGGACAGGGCTGGGCTGGTGGGGGAGTGGGGG-3'
Protein context (NP_001372804.1, residues 332-352): SRLTERLRKR[Tyr342His]PTNNFGNCTG